The following is an entry in ClinVar:

ClinVar aggregate classification (germline): Likely benign (1 of 4 stars; one submission).

gnomAD v4.1: 106 of 1,613,940 alleles (0.0066%); highest among the groups gnomAD compares: African/African-American, 0.031%; no homozygotes.

Submission:

CeGaT Center for Human Genetics Tuebingen
Classification: Likely benign. Last evaluated: 2025-09-01. Review status: criteria provided, single submitter. Criteria: CeGaT Center For Human Genetics Tuebingen Variant Classification Criteria Version 2. Collection method: clinical testing. Allele origin: germline. Affected: yes. Observed: 1 variant allele.
Comment: TMEM63B: BP4, BP7

NM_018426.3(TMEM63B):c.345C>T (p.Ser115=)

Gene: TMEM63B (transmembrane protein 63B; plus strand). Cytogenetic location: 6p21.1.
Variant type: single nucleotide variant.
Coding change: c.345C>T on transcript NM_018426.3 (MANE Select); coding-DNA position 345, C replaced by T.
Protein change: p.Ser115=; no amino-acid change (serine 115 retained).
Molecular consequence: synonymous variant.
Genome position (GRCh38, 1-based): chr6:44,136,415, C>T. VCF-style: chr6-44136415-C-T. GRCh37 (hg19) VCF-style: chr6-44104152-C-T.
Other names: c.345C>T, p.Ser115= (NM_001318792.1).
Identifiers: ClinVar variation 4280828 (VCV004280828.7).
Genomic context (GRCh38, chr6:44,136,415, plus strand): 5'-TTCAGCTATGCACGGGGACAGCCATGACCGGTATGAGCGTCTCACCTCTGTCTCCAGCTC[C>T]GTTGACTTTGACCAAAGGGACAATGTGAGTGCCCTCCCCCCAAACTTCTTAGTCCCCCAC-3'
Protein context (NP_060896.1, residues 105-125): RYERLTSVSS[Ser115=]VDFDQRDNGF